The following is an entry in ClinVar:

ClinVar aggregate classification (germline): Uncertain significance (1 of 4 stars; one submission).

Conditions:
Werner syndrome (WRN). Identifiers: Orphanet 902, MedGen C0043119, MONDO:0010196, OMIM 277700.

Allele frequency attached by ClinVar (database versions not stated): gnomAD exomes below 0.00001; TOPMed 0.00001.
gnomAD v4.1: 2 of 1,612,710 alleles (0.00012%); highest among the groups gnomAD compares: Non-Finnish European, 0.00017%; no homozygotes.

Submission:

Labcorp Genetics (formerly Invitae), Labcorp
Classification: Uncertain significance for Werner syndrome. Last evaluated: 2021-09-10. Review status: criteria provided, single submitter. Criteria: Invitae Variant Classification Sherloc (09022015). Collection method: clinical testing. Allele origin: germline.
Comment: ClinVar contains an entry for this variant (Variation ID: 943565). This variant has not been reported in the literature in individuals affected with WRN-related conditions. This variant is not present in population databases (ExAC no frequency). This sequence change replaces methionine with leucine at codon 602 of the WRN protein (p.Met602Leu). The methionine residue is highly conserved and there is a small physicochemical difference between methionine and leucine. In summary, the available evidence is currently insufficient to determine the role of this variant in disease. Therefore, it has been classified as a Variant of Uncertain Significance. Algorithms developed to predict the effect of missense changes on protein structure and function are either unavailable or do not agree on the potential impact of this missense change (SIFT: "Not Available"; PolyPhen-2: "Probably Damaging"; Align-GVGD: "Not Available").

NM_000553.6(WRN):c.1804A>T (p.Met602Leu)

Gene: WRN (WRN RecQ like helicase; plus strand). Cytogenetic location: 8p12.
Variant type: single nucleotide variant.
Coding change: c.1804A>T on transcript NM_000553.6 (MANE Select); coding-DNA position 1804, A replaced by T.
Protein change: p.Met602Leu; replaces methionine 602 with leucine.
Molecular consequence: missense variant.
Genome position (GRCh38, 1-based): chr8:31,090,917, A>T. VCF-style: chr8-31090917-A-T. GRCh37 (hg19) VCF-style: chr8-30948433-A-T.
Other names: short protein forms M602L.
Identifiers: ClinVar variation 943565 (VCV000943565.6), dbSNP rs1343522586, ClinGen allele CA370928102.